The following is an entry in ClinVar:

NM_032242.4(PLXNA1):c.3564C>T (p.Tyr1188=)

Gene: PLXNA1 (plexin A1; plus strand). Cytogenetic location: 3q21.3.
Variant type: single nucleotide variant.
Coding change: c.3564C>T on transcript NM_032242.4 (MANE Select); coding-DNA position 3564, C replaced by T.
Protein change: p.Tyr1188=; no amino-acid change (tyrosine 1188 retained).
Molecular consequence: synonymous variant.
Genome position (GRCh38, 1-based): chr3:127,017,796, C>T. VCF-style: chr3-127017796-C-T. GRCh37 (hg19) VCF-style: chr3-126736639-C-T.
Identifiers: ClinVar variation 3046695 (VCV003046695.15), dbSNP rs555649603, ClinGen allele CA2594072.

ClinVar aggregate classification (germline): Likely benign. Review status: criteria provided, single submitter (1 of 4 stars). 2 submissions from 2 submitters: Likely benign (1). 1 of the submissions does not count toward it. Last evaluated 2025-01-01.

Conditions:
PLXNA1-related disorder. Also called: PLXNA1-related condition.

Allele frequency attached by ClinVar (database versions not stated): TOPMed 0.00002; gnomAD 0.00009; gnomAD exomes 0.00013; ExAC 0.00032; 1000 Genomes Project 30x 0.00047; 1000 Genomes Project 0.00060.
gnomAD v4.1: 210 of 1,613,240 alleles (0.013%); highest among the groups gnomAD compares: South Asian, 0.21%; 1 homozygote.

Submissions (2):

CeGaT Center for Human Genetics Tuebingen
Classification: Likely benign. Last evaluated: 2025-01-01. Review status: criteria provided, single submitter. Criteria: CeGaT Center For Human Genetics Tuebingen Variant Classification Criteria Version 2. Collection method: clinical testing. Allele origin: germline. Affected: yes. Observed: 1 variant allele.
Comment: PLXNA1: BP4, BP7

PreventionGenetics, part of Exact Sciences
Classification: Likely benign for PLXNA1-related condition. Last evaluated: 2024-01-29. Review status: no assertion criteria provided. Collection method: clinical testing. Allele origin: germline. Not counted in ClinVar's aggregate classification.
Comment: This variant is classified as likely benign based on ACMG/AMP sequence variant interpretation guidelines (Richards et al. 2015 PMID: 25741868, with internal and published modifications).